The following is an entry in ClinVar:

ClinVar aggregate classification (germline): Uncertain significance. Review status: criteria provided, multiple submitters, no conflicts (2 of 4 stars). 2 submissions from 2 submitters: Uncertain significance (2). Last evaluated 2025-10-30.

Conditions:
Carnitine palmitoyltransferase II deficiency. Also called: Carnitine Palmitoyltransferase 2 Deficiency. Identifiers: Orphanet 157, MedGen C0342790, MONDO:0015515.

Submissions (2):

Myriad Genetics, Inc.
Classification: Uncertain significance for Carnitine palmitoyltransferase II deficiency. Last evaluated: 2025-10-30. Review status: criteria provided, single submitter. Criteria: Myriad Autosomal Dominant, Autosomal Recessive and X-Linked Classification Criteria (2023). Collection method: clinical testing. Allele origin: unknown.
Comment: NM_000098.2(CPT2):c.1690G>A(A564T) is a missense variant classified as a variant of uncertain significance in the context of carnitine palmitoyltransferase II deficiency. A564T has not been observed in cases with relevant disease. Relevant functional assessments of this variant are not available in the literature. A564T has not been observed in referenced population frequency databases. In summary, there is insufficient evidence to classify NM_000098.2(CPT2):c.1690G>A(A564T) as pathogenic or benign. Please note: this variant was assessed in the context of healthy population screening.

Labcorp Genetics (formerly Invitae), Labcorp
Classification: Uncertain significance for Carnitine palmitoyltransferase II deficiency. Last evaluated: 2018-04-17. Review status: criteria provided, single submitter. Criteria: Invitae Variant Classification Sherloc (09022015). Collection method: clinical testing. Allele origin: germline.
Comment: This sequence change replaces alanine with threonine at codon 564 of the CPT2 protein (p.Ala564Thr). The alanine residue is weakly conserved and there is a small physicochemical difference between alanine and threonine. In summary, the available evidence is currently insufficient to determine the role of this variant in disease. Therefore, it has been classified as a Variant of Uncertain Significance. Algorithms developed to predict the effect of missense changes on protein structure and function output the following: SIFT: "Tolerated"; PolyPhen-2: "Benign"; Align-GVGD: "Class C0". The threonine amino acid residue is found in multiple mammalian species, suggesting that this missense change does not adversely affect protein function. These predictions have not been confirmed by published functional studies and their clinical significance is uncertain. This variant has not been reported in the literature in individuals with CPT2-related disease. This variant is not present in population databases (ExAC no frequency).

NM_000098.3(CPT2):c.1690G>A (p.Ala564Thr)

Gene: CPT2 (carnitine palmitoyltransferase 2; plus strand). Cytogenetic location: 1p32.3.
Variant type: single nucleotide variant.
Coding change: c.1690G>A on transcript NM_000098.3 (MANE Select); coding-DNA position 1690, G replaced by A.
Protein change: p.Ala564Thr; replaces alanine 564 with threonine.
Molecular consequence: missense variant.
Genome position (GRCh38, 1-based): chr1:53,213,308, G>A. VCF-style: chr1-53213308-G-A. GRCh37 (hg19) VCF-style: chr1-53678980-G-A.
Other names: c.1621G>A, p.Ala541Thr (NM_001330589.2); short protein forms A564T, A541T.
Identifiers: ClinVar variation 583148 (VCV000583148.9), dbSNP rs1557719487, ClinGen allele CA340397446.